The following is an entry in ClinVar:

ClinVar aggregate classification (germline): Pathogenic (1 of 4 stars; one submission).

Submission:

Labcorp Genetics (formerly Invitae), Labcorp
Classification: Pathogenic. Last evaluated: 2023-06-02. Review status: criteria provided, single submitter. Criteria: Invitae Variant Classification Sherloc (09022015). Collection method: clinical testing. Allele origin: unknown.
Comment: For these reasons, this variant has been classified as Pathogenic. This variant has not been reported in the literature in individuals affected with AAAS-related conditions. This variant is a gross deletion of the genomic region encompassing exon(s) 5-7 of the AAAS gene. This deletion is out-of-frame, and is expected to create a premature termination codon and result in an absent or disrupted protein product. Loss-of-function variants in AAAS are known to be pathogenic (PMID: 11159947).

Literature cited by the submitters: PubMed 11159947.

NC_000012.11:g.(?_53708062)_(53708944_?)del

Gene: AAAS (aladin WD repeat nucleoporin; minus strand). Cytogenetic location: 12q13.13.
Variant type: Deletion.
Identifiers: ClinVar variation 3244425 (VCV003244425.1).